The following is an entry in ClinVar:

NM_139058.3(ARX):c.*5T>G

Gene: ARX (aristaless related homeobox; minus strand). Cytogenetic location: Xp21.3.
Variant type: single nucleotide variant.
Coding change: c.*5T>G on transcript NM_139058.3 (MANE Select); 5 bases downstream of the stop codon, T replaced by G.
Molecular consequence: 3 prime UTR variant.
Genome position (GRCh38, 1-based): chrX:25,004,665, A>C on the plus strand (T>G on the coding strand, the complement: ARX is on the minus strand). VCF-style: chrX-25004665-A-C. GRCh37 (hg19) VCF-style: chrX-25022782-A-C.
Identifiers: ClinVar variation 3047773 (VCV003047773.2), dbSNP rs1440215809, ClinGen allele CA641364656.

ClinVar aggregate classification (germline): Likely benign (0 of 4 stars; one submission).

Conditions:
ARX-related disorder. Also called: ARX-Related Disorders; ARX-related condition. Identifiers: MedGen CN378769.

Allele frequency attached by ClinVar (database versions not stated): gnomAD exomes below 0.00001; gnomAD 0.00002; TOPMed 0.00002.
gnomAD v4.1: 8 of 1,163,942 alleles (0.00069%); highest among the groups gnomAD compares: Admixed American, 0.0052%; no homozygotes.

Submission:

PreventionGenetics, part of Exact Sciences
Classification: Likely benign for ARX-related condition. Last evaluated: 2020-08-20. Review status: no assertion criteria provided. Collection method: clinical testing. Allele origin: germline.
Comment: This variant is classified as likely benign based on ACMG/AMP sequence variant interpretation guidelines (Richards et al. 2015 PMID: 25741868, with internal and published modifications).